The following is an entry in ClinVar:

NM_139076.3(ABRAXAS1):c.263T>C (p.Ile88Thr)

Gene: ABRAXAS1 (abraxas 1, BRCA1 A complex subunit; minus strand). Cytogenetic location: 4q21.23.
Variant type: single nucleotide variant.
Coding change: c.263T>C on transcript NM_139076.3 (MANE Select); coding-DNA position 263, T replaced by C.
Protein change: p.Ile88Thr; replaces isoleucine 88 with threonine.
Molecular consequence: missense variant. On other transcripts: intron variant (1).
Genome position (GRCh38, 1-based): chr4:83,472,241, A>G on the plus strand (T>C on the coding strand, the complement: ABRAXAS1 is on the minus strand). VCF-style: chr4-83472241-A-G. GRCh37 (hg19) VCF-style: chr4-84393394-A-G.
Other names: c.-45-1845T>C (NM_001345962.2); short protein forms I88T.
Identifiers: ClinVar variation 3448624 (VCV003448624.1).

ClinVar aggregate classification (germline): Uncertain significance (1 of 4 stars; one submission).

Submission:

Ambry Genetics
Classification: Uncertain significance. Last evaluated: 2024-11-20. Review status: criteria provided, single submitter. Criteria: Ambry Variant Classification Scheme 2023. Collection method: clinical testing. Allele origin: germline.
Comment: The p.I88T variant (also known as c.263T>C), located in coding exon 4 of the FAM175A gene, results from a T to C substitution at nucleotide position 263. The isoleucine at codon 88 is replaced by threonine, an amino acid with similar properties. This amino acid position is conserved. In addition, this alteration is predicted to be tolerated by in silico analysis. Based on the available evidence, the clinical significance of this variant remains unclear.